The following is an entry in ClinVar:

ClinVar aggregate classification (germline): Pathogenic (1 of 4 stars; one submission).

Submission:

Labcorp Genetics (formerly Invitae), Labcorp
Classification: Pathogenic. Last evaluated: 2023-10-08. Review status: criteria provided, single submitter. Criteria: Invitae Variant Classification Sherloc (09022015). Collection method: clinical testing. Allele origin: germline.
Comment: This sequence change creates a premature translational stop signal (p.Ile8Trpfs*22) in the FMO3 gene. It is expected to result in an absent or disrupted protein product. Loss-of-function variants in FMO3 are known to be pathogenic (PMID: 20301282). This variant is not present in population databases (gnomAD no frequency). This variant has not been reported in the literature in individuals affected with FMO3-related conditions. For these reasons, this variant has been classified as Pathogenic.

Literature cited by the submitters: PubMed 20301282.

NM_001002294.3(FMO3):c.22_29del (p.Ile8fs)

Gene: FMO3 (flavin containing dimethylaniline monoxygenase 3; plus strand). Cytogenetic location: 1q24.3.
Variant type: Deletion.
Coding change: c.22_29del on transcript NM_001002294.3 (MANE Select); coding-DNA positions 22 to 29, 8 bases deleted (ATTGGAGC; older notation c.22_29delATTGGAGC).
Protein change: p.Ile8fs; shifts the reading frame from isoleucine 8.
Molecular consequence: frameshift variant. On other transcripts: 5 prime UTR variant (1).
Genome position (GRCh38, 1-based): chr1:171,092,680-171,092,687, ATTGGAGC deleted; deleting any 8 consecutive bases within chr1:171,092,679-171,092,687 gives the same sequence; the c. name uses the placement nearest the transcript's 3' end. VCF-style (leftmost placement, unchanged base first): chr1-171092678-TCATTGGAG-T. GRCh37 (hg19) VCF-style: chr1-171061819-TCATTGGAG-T.
Other names: c.-166_-159del (NM_001319173.2); c.22_29del, p.Ile8fs (NM_001319174.2, NM_006894.6); short protein forms I8fs.
Identifiers: ClinVar variation 2766791 (VCV002766791.3), dbSNP rs2526256800, ClinGen allele CA2697554659.
Genomic context (GRCh38, chr1:171,092,678, plus strand): 5'-TTGTTACTGGAAATGTTCTCTGGGCCTTTGCACAGGTTACCATGGGGAAGAAAGTGGCCA[TCATTGGAG>T]CTGGTGTGAGTGGCTTGGCCTCCATCAGGAGCTGTCTGGAAGAGGGGCTGGAGCCCACCT-3'